The following is an entry in ClinVar:

NM_013351.2(TBX21):c.1083C>T (p.Asn361=)

Gene: TBX21 (T-box transcription factor 21; plus strand). Cytogenetic location: 17q21.32.
Variant type: single nucleotide variant.
Coding change: c.1083C>T on transcript NM_013351.2 (MANE Select); coding-DNA position 1083, C replaced by T.
Protein change: p.Asn361=; no amino-acid change (asparagine 361 retained).
Molecular consequence: synonymous variant.
Genome position (GRCh38, 1-based): chr17:47,744,841, C>T. VCF-style: chr17-47744841-C-T. GRCh37 (hg19) VCF-style: chr17-45822207-C-T.
Identifiers: ClinVar variation 5039296 (VCV005039296.1).

ClinVar aggregate classification (germline): Likely benign (1 of 4 stars; one submission).

gnomAD v4.1: 217 of 1,614,224 alleles (0.013%); highest among the groups gnomAD compares: East Asian, 0.36%; 1 homozygote.

Submission:

CeGaT Center for Human Genetics Tuebingen
Classification: Likely benign. Last evaluated: 2026-07-01. Review status: criteria provided, single submitter. Criteria: CeGaT Center For Human Genetics Tuebingen Variant Classification Criteria Version 2. Collection method: clinical testing. Allele origin: germline. Affected: yes. Observed: 1 variant allele.
Comment: TBX21: BP4, BP7